The following is an entry in ClinVar:

ClinVar aggregate classification (germline): Uncertain significance (1 of 4 stars; one submission).

Submission:

Labcorp Genetics (formerly Invitae), Labcorp
Classification: Uncertain significance. Last evaluated: 2025-09-02. Review status: criteria provided, single submitter. Criteria: Invitae Variant Classification Sherloc (09022015). Collection method: clinical testing. Allele origin: germline.
Comment: This sequence change falls in intron 2 of the RAD51 gene. It does not directly change the encoded amino acid sequence of the RAD51 protein. It affects a nucleotide within the consensus splice site. This variant is present in population databases (rs766227930, gnomAD no frequency). This variant has not been reported in the literature in individuals affected with RAD51-related conditions. Variants that disrupt the consensus splice site are a relatively common cause of aberrant splicing (PMID: 17576681, 9536098). Algorithms developed to predict the effect of sequence changes on RNA splicing suggest that this variant is not likely to affect RNA splicing. In summary, the available evidence is currently insufficient to determine the role of this variant in disease. Therefore, it has been classified as a Variant of Uncertain Significance.

Literature cited by the submitters: PubMed 17576681; PubMed 9536098.

NM_002875.5(RAD51):c.88-3C>T

Gene: RAD51 (RAD51 recombinase; plus strand). Cytogenetic location: 15q15.1.
Variant type: single nucleotide variant.
Coding change: c.88-3C>T on transcript NM_002875.5 (MANE Select); 3 bases into the intron before coding-DNA position 88, C replaced by T.
Molecular consequence: intron variant.
Genome position (GRCh38, 1-based): chr15:40,701,061, C>T. VCF-style: chr15-40701061-C-T. GRCh37 (hg19) VCF-style: chr15-40993259-C-T.
Other names: c.88-3C>T (NM_001164270.2, NM_001164269.2, NM_133487.4).
Identifiers: ClinVar variation 4779680 (VCV004779680.1).